The following is an entry in ClinVar:

NM_004064.5(CDKN1B):c.149G>C (p.Arg50Thr)

Gene: CDKN1B (cyclin dependent kinase inhibitor 1B; plus strand). Cytogenetic location: 12p13.1.
Variant type: single nucleotide variant.
Coding change: c.149G>C on transcript NM_004064.5 (MANE Select); coding-DNA position 149, G replaced by C.
Protein change: p.Arg50Thr; replaces arginine 50 with threonine.
Molecular consequence: missense variant.
Genome position (GRCh38, 1-based): chr12:12,717,988, G>C. VCF-style: chr12-12717988-G-C. GRCh37 (hg19) VCF-style: chr12-12870922-G-C.
Other names: short protein forms R50T.
Identifiers: ClinVar variation 2585894 (VCV002585894.7), dbSNP rs771913043, ClinGen allele CA383968978.
Genomic context (GRCh38, chr12:12,717,988, plus strand): 5'-GGAACCTCTTCGGCCCGGTGGACCACGAAGAGTTAACCCGGGACTTGGAGAAGCACTGCA[G>C]AGACATGGAAGAGGCGAGCCAGCGCAAGTGGAATTTCGATTTTCAGAATCACAAACCCCT-3'
Protein context (NP_004055.1, residues 40-60): ELTRDLEKHC[Arg50Thr]DMEEASQRKW

ClinVar aggregate classification (germline): Uncertain significance. Review status: criteria provided, multiple submitters, no conflicts (2 of 4 stars). 3 submissions from 3 submitters: Uncertain significance (3). Last evaluated 2025-11-25.

Conditions:
Hereditary cancer-predisposing syndrome. Also called: Tumor predisposition; Neoplastic Syndromes, Hereditary; Hereditary Cancer Syndrome; Hereditary neoplastic syndrome. Identifiers: Orphanet 140162, MedGen C0027672, MeSH D009386, MONDO:0015356.
Multiple endocrine neoplasia type 4. Also called: MULTIPLE ENDOCRINE NEOPLASIA, TYPE IV. Identifiers: Orphanet 276152, MedGen C1970712, MONDO:0012552, OMIM 610755.

Submissions (3):

Ambry Genetics
Classification: Uncertain significance for Hereditary cancer-predisposing syndrome. Last evaluated: 2025-11-25. Review status: criteria provided, single submitter. Criteria: Ambry Variant Classification Scheme 2023. Collection method: clinical testing. Allele origin: germline.
Comment: The p.R50T variant (also known as c.149G>C), located in coding exon 1 of the CDKN1B gene, results from a G to C substitution at nucleotide position 149. The arginine at codon 50 is replaced by threonine, an amino acid with similar properties. This amino acid position is conserved. In addition, the in silico prediction for this alteration is inconclusive. Since supporting evidence is limited at this time, the clinical significance of this alteration remains unclear.

Baylor Genetics
Classification: Uncertain significance for Multiple endocrine neoplasia type 4. Last evaluated: 2024-03-11. Review status: criteria provided, single submitter. Criteria: ACMG Guidelines, 2015. Collection method: clinical testing. Allele origin: unknown.

Labcorp Genetics (formerly Invitae), Labcorp
Classification: Uncertain significance for Multiple endocrine neoplasia type 4. Last evaluated: 2023-06-23. Review status: criteria provided, single submitter. Criteria: Invitae Variant Classification Sherloc (09022015). Collection method: clinical testing. Allele origin: germline.
Comment: This sequence change replaces arginine, which is basic and polar, with threonine, which is neutral and polar, at codon 50 of the CDKN1B protein (p.Arg50Thr). This variant is not present in population databases (gnomAD no frequency). This variant has not been reported in the literature in individuals affected with CDKN1B-related conditions. An algorithm developed to predict the effect of missense changes on protein structure and function (PolyPhen-2) suggests that this variant is likely to be tolerated. In summary, the available evidence is currently insufficient to determine the role of this variant in disease. Therefore, it has been classified as a Variant of Uncertain Significance.